The following is an entry in ClinVar:

NM_003072.5(SMARCA4):c.82C>T (p.Leu28=)

Gene: SMARCA4 (SWI/SNF related BAF chromatin remodeling complex subunit ATPase 4; plus strand). Cytogenetic location: 19p13.2.
Variant type: single nucleotide variant.
Coding change: c.82C>T on transcript NM_003072.5 (MANE Select); coding-DNA position 82, C replaced by T.
Protein change: p.Leu28=; no amino-acid change (leucine 28 retained).
Molecular consequence: synonymous variant. On other transcripts: non-coding transcript variant (1).
Genome position (GRCh38, 1-based): chr19:10,984,233, C>T. VCF-style: chr19-10984233-C-T. GRCh37 (hg19) VCF-style: chr19-11094909-C-T.
Other names: c.82C>T, p.Leu28= (NM_001128844.3, NM_001128845.2, NM_001128846.2 and 6 more transcripts).
Identifiers: ClinVar variation 4084183 (VCV004084183.8).

ClinVar aggregate classification (germline): Likely benign (1 of 4 stars; one submission).

Submission:

CeGaT Center for Human Genetics Tuebingen
Classification: Likely benign. Last evaluated: 2025-08-01. Review status: criteria provided, single submitter. Criteria: CeGaT Center For Human Genetics Tuebingen Variant Classification Criteria Version 2. Collection method: clinical testing. Allele origin: germline. Affected: yes. Observed: 1 variant allele.
Comment: SMARCA4: PM2:Supporting, BP4, BP7